The following is an entry in ClinVar:

NM_148960.3(CLDN19):c.409G>T (p.Val137Phe)

Gene: CLDN19 (claudin 19; minus strand). Cytogenetic location: 1p34.2.
Variant type: single nucleotide variant.
Coding change: c.409G>T on transcript NM_148960.3 (MANE Select); coding-DNA position 409, G replaced by T.
Protein change: p.Val137Phe; replaces valine 137 with phenylalanine.
Molecular consequence: missense variant. On other transcripts: intron variant (1).
Genome position (GRCh38, 1-based): chr1:42,738,293, C>A on the plus strand (G>T on the coding strand, the complement: CLDN19 is on the minus strand). VCF-style: chr1-42738293-C-A. GRCh37 (hg19) VCF-style: chr1-43203964-C-A.
Other names: c.409G>T, p.Val137Phe (NM_001123395.2); c.388+128G>T (NM_001185117.2); short protein forms V137F.
Identifiers: ClinVar variation 2039405 (VCV002039405.4), dbSNP rs2524364805, ClinGen allele CA339945184.
Genomic context (GRCh38, chr1:42,738,293, plus strand): 5'-CATTGACAGGTGTGCTTGGGTTGAAGAACTCCTGGGTCACCAGGGTGGCATACCACGAGA[C>A]AGCAGTCAAAGTGCAGAGGCCTAAAGACAAAGCAGAGGGGCGCTCAGCTCTGCTCTGGCC-3'
Protein context (NP_683763.2, residues 127-147): ILAGLCTLTA[Val137Phe]SWYATLVTQE

ClinVar aggregate classification (germline): Uncertain significance (1 of 4 stars; one submission).

gnomAD v4.1: 1 of 1,613,908 alleles (0.000062%); highest among the groups gnomAD compares: Non-Finnish European, 0.000085%; no homozygotes.

Submission:

Labcorp Genetics (formerly Invitae), Labcorp
Classification: Uncertain significance. Last evaluated: 2024-02-17. Review status: criteria provided, single submitter. Criteria: Invitae Variant Classification Sherloc (09022015). Collection method: clinical testing. Allele origin: germline.
Comment: This sequence change replaces valine, which is neutral and non-polar, with phenylalanine, which is neutral and non-polar, at codon 137 of the CLDN19 protein (p.Val137Phe). This variant is not present in population databases (gnomAD no frequency). This variant has not been reported in the literature in individuals affected with CLDN19-related conditions. ClinVar contains an entry for this variant (Variation ID: 2039405). An algorithm developed to predict the effect of missense changes on protein structure and function (PolyPhen-2) suggests that this variant is likely to be disruptive. In summary, the available evidence is currently insufficient to determine the role of this variant in disease. Therefore, it has been classified as a Variant of Uncertain Significance.